The following is an entry in ClinVar:

NC_000020.11:g.(?_46709717)_(46733854_?)del

Gene: SLC2A10 (solute carrier family 2 member 10; plus strand). Cytogenetic location: 20q13.12.
Variant type: Deletion.
Identifiers: ClinVar variation 583508 (VCV000583508.1).

ClinVar aggregate classification (germline): Pathogenic (1 of 4 stars; one submission).

Conditions:
Arterial tortuosity syndrome (ATORS). Identifiers: Orphanet 3342, MedGen C1859726, MONDO:0008818, OMIM 208050.

Submission:

Labcorp Genetics (formerly Invitae), Labcorp
Classification: Pathogenic for Arterial tortuosity syndrome. Last evaluated: 2018-06-14. Review status: criteria provided, single submitter. Criteria: Invitae Variant Classification Sherloc (09022015). Collection method: clinical testing. Allele origin: germline.
Comment: A gross deletion of the genomic region encompassing the full coding sequence of the SLC2A10 gene has been identified. The boundaries of this event are unknown as the deletion extends beyond the assayed region for this gene and therefore may encompass additional genes. This variant has not been reported in the literature in individuals with SLC2A10-related disease. Loss-of-function variants in SLC2A10 are known to be pathogenic (PMID: 17935213, 22488877, 23494979). For these reasons, this variant has been classified as Pathogenic.